The following is an entry in ClinVar:

NM_020831.6(MRTFA):c.1573G>T (p.Gly525Cys)

Gene: MRTFA (myocardin related transcription factor A; minus strand). Cytogenetic location: 22q13.1.
Variant type: single nucleotide variant.
Coding change: c.1573G>T on transcript NM_020831.6 (MANE Select); coding-DNA position 1573, G replaced by T.
Protein change: p.Gly525Cys; replaces glycine 525 with cysteine.
Molecular consequence: missense variant.
Genome position (GRCh38, 1-based): chr22:40,419,165, C>A on the plus strand (G>T on the coding strand, the complement: MRTFA is on the minus strand). VCF-style: chr22-40419165-C-A. GRCh37 (hg19) VCF-style: chr22-40815169-C-A.
Other names: c.1273G>T, p.Gly425Cys (NM_001282660.2); c.1423G>T, p.Gly475Cys (NM_001282661.3); c.1573G>T, p.Gly525Cys (NM_001282662.3); c.1378G>T, p.Gly460Cys (NM_001318139.2); short protein forms G425C, G460C, G475C, G525C.
Identifiers: ClinVar variation 4752253 (VCV004752253.1).

ClinVar aggregate classification (germline): Uncertain significance (1 of 4 stars; one submission).

gnomAD v4.1: 13 of 1,584,426 alleles (0.00082%); highest among the groups gnomAD compares: Non-Finnish European, 0.0011%; no homozygotes.

Submission:

Labcorp Genetics (formerly Invitae), Labcorp
Classification: Uncertain significance. Last evaluated: 2025-04-11. Review status: criteria provided, single submitter. Criteria: Invitae Variant Classification Sherloc (09022015). Collection method: clinical testing. Allele origin: germline.
Comment: This sequence change replaces glycine, which is neutral and non-polar, with cysteine, which is neutral and slightly polar, at codon 425 of the MKL1 protein (p.Gly425Cys). The frequency data for this variant in the population databases is considered unreliable, as metrics indicate poor data quality at this position in the gnomAD database. This variant has not been reported in the literature in individuals affected with MKL1-related conditions. An algorithm developed to predict the effect of missense changes on protein structure and function (PolyPhen-2) suggests that this variant is likely to be disruptive. In summary, the available evidence is currently insufficient to determine the role of this variant in disease. Therefore, it has been classified as a Variant of Uncertain Significance.